The following is an entry in ClinVar:

NM_001384140.1(PCDH15):c.261G>A (p.Met87Ile)

Gene: PCDH15 (protocadherin related 15; minus strand). Cytogenetic location: 10q21.1.
Variant type: single nucleotide variant.
Coding change: c.261G>A on transcript NM_001384140.1 (MANE Select); coding-DNA position 261, G replaced by A.
Protein change: p.Met87Ile; replaces methionine 87 with isoleucine.
Molecular consequence: missense variant.
Genome position (GRCh38, 1-based): chr10:54,378,839, C>T on the plus strand (G>A on the coding strand, the complement: PCDH15 is on the minus strand). VCF-style: chr10-54378839-C-T. GRCh37 (hg19) VCF-style: chr10-56138599-C-T.
Other names: c.276G>A, p.Met92Ile (NM_001142763.2, NM_001142769.4, NM_001142771.2); c.261G>A, p.Met87Ile (NM_001142764.2, NM_001142765.2, NM_001142766.2 and 8 more transcripts); c.195G>A, p.Met65Ile (NM_001142768.2, NM_001142773.2, NM_001354404.2); short protein forms M92I, M87I, M65I.
Identifiers: ClinVar variation 1435515 (VCV001435515.7), dbSNP rs1289815447, ClinGen allele CA376540527.

ClinVar aggregate classification (germline): Uncertain significance (1 of 4 stars; one submission).

Allele frequency attached by ClinVar (database versions not stated): gnomAD 0.00001; TOPMed 0.00001.
gnomAD v4.1: 2 of 1,613,764 alleles (0.00012%); highest among the groups gnomAD compares: African/African-American, 0.0027%; no homozygotes.

Submission:

Labcorp Genetics (formerly Invitae), Labcorp
Classification: Uncertain significance. Last evaluated: 2022-06-13. Review status: criteria provided, single submitter. Criteria: Invitae Variant Classification Sherloc (09022015). Collection method: clinical testing. Allele origin: germline.
Comment: This sequence change replaces methionine, which is neutral and non-polar, with isoleucine, which is neutral and non-polar, at codon 87 of the PCDH15 protein (p.Met87Ile). In summary, the available evidence is currently insufficient to determine the role of this variant in disease. Therefore, it has been classified as a Variant of Uncertain Significance. Algorithms developed to predict the effect of sequence changes on RNA splicing suggest that this variant may create or strengthen a splice site. Algorithms developed to predict the effect of missense changes on protein structure and function (SIFT, PolyPhen-2, Align-GVGD) all suggest that this variant is likely to be tolerated. This variant has not been reported in the literature in individuals affected with PCDH15-related conditions. This variant is present in population databases (no rsID available, gnomAD 0.01%).